The following is an entry in ClinVar:

NM_000138.5(FBN1):c.5065+5G>A

Gene: FBN1 (fibrillin 1; minus strand). Cytogenetic location: 15q21.1.
Variant type: single nucleotide variant.
Coding change: c.5065+5G>A on transcript NM_000138.5 (MANE Select); 5 bases into the intron after coding-DNA position 5065, G replaced by A.
Molecular consequence: intron variant.
Genome position (GRCh38, 1-based): chr15:48,463,894, C>T on the plus strand (G>A on the coding strand, the complement: FBN1 is on the minus strand). VCF-style: chr15-48463894-C-T. GRCh37 (hg19) VCF-style: chr15-48756091-C-T.
Identifiers: ClinVar variation 921846 (VCV000921846.9), dbSNP rs773660804, ClinGen allele CA054212.

ClinVar aggregate classification (germline): Uncertain significance. Review status: criteria provided, multiple submitters, no conflicts (2 of 4 stars). 4 submissions from 4 submitters: Uncertain significance (4). Last evaluated 2026-03-06.

Conditions:
Marfan syndrome (MFS). Also called: Marfan syndrome, classic; Marfan syndrome type 1; Marfan's syndrome; FBN1-Related Marfan Syndrome; MARFAN SYNDROME, TYPE I. Identifiers: Orphanet 284963, Orphanet 558, MedGen C0024796, MONDO:0007947, OMIM 154700.
Familial thoracic aortic aneurysm and aortic dissection (TAAD). Also called: Thoracic aortic aneurysms and dissections. Identifiers: Orphanet 91387, MedGen C4707243, MONDO:0019625.

Allele frequency attached by ClinVar (database versions not stated): gnomAD exomes 0.00001; gnomAD 0.00001; TOPMed 0.00001; ExAC 0.00004.
gnomAD v4.1: 6 of 1,609,490 alleles (0.00037%); highest among the groups gnomAD compares: Non-Finnish European, 0.00051%; no homozygotes.

Submissions (4):

GeneDx
Classification: Uncertain significance. Last evaluated: 2026-03-06. Review status: criteria provided, single submitter. Criteria: GeneDx Variant Classification Process June 2021. Collection method: clinical testing. Allele origin: germline. Affected: yes.
Comment: Has not been previously published as pathogenic or benign to our knowledge; Not observed at significant frequency in large population cohorts (gnomAD); In silico analysis suggests this variant may impact gene splicing. In the absence of RNA/functional studies, the actual effect of this sequence change is unknown.

Labcorp Genetics (formerly Invitae), Labcorp
Classification: Uncertain significance for Marfan syndrome; Familial thoracic aortic aneurysm and aortic dissection. Last evaluated: 2026-01-27. Review status: criteria provided, single submitter. Criteria: Invitae Variant Classification Sherloc (09022015). Collection method: clinical testing. Allele origin: germline.
Comment: This sequence change falls in intron 41 of the FBN1 gene. It does not directly change the encoded amino acid sequence of the FBN1 protein. It affects a nucleotide within the consensus splice site. This variant is present in population databases (rs773660804, gnomAD 0.002%). This variant has not been reported in the literature in individuals affected with FBN1-related conditions. ClinVar contains an entry for this variant (Variation ID: 921846). Variants that disrupt the consensus splice site are a relatively common cause of aberrant splicing (PMID: 17576681, 9536098). Algorithms developed to predict the effect of sequence changes on RNA splicing suggest that this variant may disrupt the consensus splice site. In summary, the available evidence is currently insufficient to determine the role of this variant in disease. Therefore, it has been classified as a Variant of Uncertain Significance.

All of Us Research Program, National Institutes of Health
Classification: Uncertain significance for Marfan syndrome. Last evaluated: 2024-08-06. Review status: criteria provided, single submitter. Criteria: ACMG Guidelines, 2015. Collection method: clinical testing. Allele origin: germline. Inheritance: Autosomal dominant inheritance. Observed: 1 variant allele, 1 heterozygote.
Comment: This study involves interpretation of variants in research participants for the purpose of population health screening. Participant phenotype was not available at the time of variant classification. Additional details can be found in publication PMID: 35346344, PMCID: PMC8962531

Color Diagnostics, LLC DBA Color Health
Classification: Uncertain significance for Familial thoracic aortic aneurysm and aortic dissection. Last evaluated: 2019-12-29. Review status: criteria provided, single submitter. Criteria: ACMG Guidelines, 2015. Collection method: clinical testing. Allele origin: germline.
Comment: This variant causes a G>A nucleotide substitution at the +5 position of intron 41 of the FBN1 gene. Splice site prediction tools predict that this variant may have a significant impact on RNA splicing. To our knowledge, functional studies have not been performed for this variant. This variant has not been reported in individuals affected with cardiovascular disorders in the literature. This variant has been identified in 2/244488 chromosomes in the general population by the Genome Aggregation Database (gnomAD). The available evidence is insufficient to determine the role of this variant in disease conclusively. Therefore, this variant is classified as a Variant of Uncertain Significance.

Literature cited by the submitters: PubMed 17576681 (cited by Labcorp Genetics (formerly Invitae), Labcorp); PubMed 9536098 (cited by Labcorp Genetics (formerly Invitae), Labcorp).